The following is an entry in ClinVar:

ClinVar aggregate classification (germline): Pathogenic (1 of 4 stars; one submission).

Submission:

Athena Diagnostics
Classification: Pathogenic. Last evaluated: 2021-05-07. Review status: criteria provided, single submitter. Criteria: Athena Diagnostics criteria. Collection method: clinical testing. Allele origin: unknown.
Comment: This variant is expected to result in the loss of a functional protein. This variant has not been reported in large, multi-ethnic general populations. This variant has been identified in at least one individual with clinical features associated with this gene.

NM_182961.4(SYNE1):c.21531del (p.Asp7178fs)

Genes: SYNE1 (spectrin repeat containing nuclear envelope protein 1; minus strand), LOC126859836 (MED14-independent group 3 enhancer GRCh37_chr6:152542272-152543471; plus strand). Cytogenetic location: 6q25.2.
Variant type: Deletion.
Coding change: c.21531del on transcript NM_182961.4 (MANE Select); coding-DNA position 21531, one base deleted (A; older notation c.21531delA).
Protein change: p.Asp7178fs; shifts the reading frame from aspartic acid 7178.
Molecular consequence: frameshift variant.
Genome position (GRCh38, 1-based): chr6:152,221,551, T deleted on the plus strand (A on the coding strand, the reverse complement: SYNE1 is on the minus strand); the first of 2 consecutive T bases (chr6:152,221,551-152,221,552); deleting either gives the same sequence. VCF-style (leftmost placement, unchanged base first): chr6-152221550-CT-C. GRCh37 (hg19) VCF-style: chr6-152542685-CT-C.
Other names: c.21318del, p.Asp7107fs (NM_033071.5); short protein forms D7107fs, D7178fs.
Identifiers: ClinVar variation 1256370 (VCV001256370.1), dbSNP rs2153465555, ClinGen allele CA2499218136.